The following is an entry in ClinVar:

ClinVar aggregate classification (germline): Uncertain significance (1 of 4 stars; one submission).

Conditions:
Inborn genetic diseases. Identifiers: MedGen C0950123, MeSH D030342.

Submission:

Ambry Genetics
Classification: Uncertain significance for Inborn genetic diseases. Last evaluated: 2024-01-14. Review status: criteria provided, single submitter. Criteria: Ambry Variant Classification Scheme 2023. Collection method: clinical testing. Allele origin: germline.
Comment: The p.I789S variant (also known as c.2366T>G), located in coding exon 15 of the EPAS1 gene, results from a T to G substitution at nucleotide position 2366. The isoleucine at codon 789 is replaced by serine, an amino acid with dissimilar properties. This amino acid position is conserved. In addition, this alteration is predicted to be tolerated by in silico analysis. Since supporting evidence is limited at this time, the clinical significance of this alteration remains unclear.

NM_001430.5(EPAS1):c.2366T>G (p.Ile789Ser)

Gene: EPAS1 (endothelial PAS domain protein 1; plus strand). Cytogenetic location: 2p21.
Variant type: single nucleotide variant.
Coding change: c.2366T>G on transcript NM_001430.5 (MANE Select); coding-DNA position 2366, T replaced by G.
Protein change: p.Ile789Ser; replaces isoleucine 789 with serine.
Molecular consequence: missense variant.
Genome position (GRCh38, 1-based): chr2:46,382,503, T>G. VCF-style: chr2-46382503-T-G. GRCh37 (hg19) VCF-style: chr2-46609642-T-G.
Other names: short protein forms I789S.
Identifiers: ClinVar variation 3221624 (VCV003221624.1), dbSNP rs376111154, ClinGen allele CA346706128.
Genomic context (GRCh38, chr2:46,382,503, plus strand): 5'-CCATGAGGGGCCTGGGCCATCCCCTGAGACATCTGCCGCTGCCACAGCCTCCATCTGCCA[T>G]CAGTCCCGGGGAGAACAGCAAGAGCAGGTTCCCCCCACAGTGCTACGCCACCCAGTACCA-3'
Protein context (NP_001421.2, residues 779-799): HLPLPQPPSA[Ile789Ser]SPGENSKSRF